The following is an entry in ClinVar:

NM_001567.4(INPPL1):c.3480G>A (p.Ser1160=)

Gene: INPPL1 (inositol polyphosphate phosphatase like 1; plus strand). Cytogenetic location: 11q13.4.
Variant type: single nucleotide variant.
Coding change: c.3480G>A on transcript NM_001567.4 (MANE Select); coding-DNA position 3480, G replaced by A.
Protein change: p.Ser1160=; no amino-acid change (serine 1160 retained).
Molecular consequence: synonymous variant.
Genome position (GRCh38, 1-based): chr11:72,237,724, G>A. VCF-style: chr11-72237724-G-A. GRCh37 (hg19) VCF-style: chr11-71948768-G-A.
Identifiers: ClinVar variation 3058675 (VCV003058675.2), dbSNP rs751974130, ClinGen allele CA224381999.

ClinVar aggregate classification (germline): Likely benign (0 of 4 stars; one submission).

Conditions:
INPPL1-related disorder. Also called: INPPL1-related condition.

gnomAD v4.1: 20 of 1,611,660 alleles (0.0012%); highest among the groups gnomAD compares: East Asian, 0.0067%; no homozygotes.

Submission:

PreventionGenetics, part of Exact Sciences
Classification: Likely benign for INPPL1-related condition. Last evaluated: 2019-03-27. Review status: no assertion criteria provided. Collection method: clinical testing. Allele origin: germline.
Comment: This variant is classified as likely benign based on ACMG/AMP sequence variant interpretation guidelines (Richards et al. 2015 PMID: 25741868, with internal and published modifications).